The following is an entry in ClinVar:

ClinVar aggregate classification (germline): Uncertain significance (1 of 4 stars; one submission).

Conditions:
RASopathy. Also called: rasopathies; Noonan spectrum disorder. Identifiers: Orphanet 536391, MedGen C5555857, MONDO:0021060.

Submission:

Labcorp Genetics (formerly Invitae), Labcorp
Classification: Uncertain significance for RASopathy. Last evaluated: 2022-11-20. Review status: criteria provided, single submitter. Criteria: Invitae Variant Classification Sherloc (09022015). Collection method: clinical testing. Allele origin: germline.
Comment: In summary, the available evidence is currently insufficient to determine the role of this variant in disease. Therefore, it has been classified as a Variant of Uncertain Significance. Algorithms developed to predict the effect of missense changes on protein structure and function (SIFT, PolyPhen-2, Align-GVGD) all suggest that this variant is likely to be tolerated. This variant has not been reported in the literature in individuals affected with MAP2K2-related conditions. This variant is not present in population databases (gnomAD no frequency). This sequence change replaces alanine, which is neutral and non-polar, with threonine, which is neutral and polar, at codon 56 of the MAP2K2 protein (p.Ala56Thr).

NM_030662.4(MAP2K2):c.166G>A (p.Ala56Thr)

Gene: MAP2K2 (mitogen-activated protein kinase kinase 2; minus strand). Cytogenetic location: 19p13.3.
Variant type: single nucleotide variant.
Coding change: c.166G>A on transcript NM_030662.4 (MANE Select); coding-DNA position 166, G replaced by A.
Protein change: p.Ala56Thr; replaces alanine 56 with threonine.
Molecular consequence: missense variant.
Genome position (GRCh38, 1-based): chr19:4,117,556, C>T on the plus strand (G>A on the coding strand, the complement: MAP2K2 is on the minus strand). VCF-style: chr19-4117556-C-T. GRCh37 (hg19) VCF-style: chr19-4117554-C-T.
Other names: short protein forms A56T.
Identifiers: ClinVar variation 2815389 (VCV002815389.3), dbSNP rs2145080535, ClinGen allele CA403392747.